The following is an entry in ClinVar:

ClinVar aggregate classification (germline): Uncertain significance (1 of 4 stars; one submission).

Submission:

Labcorp Genetics (formerly Invitae), Labcorp
Classification: Uncertain significance. Last evaluated: 2021-04-29. Review status: criteria provided, single submitter. Criteria: Invitae Variant Classification Sherloc (09022015). Collection method: clinical testing. Allele origin: germline.
Comment: This variant results in a copy number gain of the genomic region encompassing exon(s) 30-35 of the STAG2 gene. The 5' boundary is likely confined to intron 29. The 3' end of this event is unknown as it extends beyond the assayed region for this gene and therefore may encompass additional genes. As the precise location of this event is unknown, it may be in tandem or it may be located elsewhere in the genome. In summary, the available evidence is currently insufficient to determine the role of this variant in disease. Therefore, it has been classified as a Variant of Uncertain Significance. This variant has not been reported in the literature in individuals with STAG2-related conditions.

NC_000023.10:g.(?_123220397)_(123234447_?)dup

Gene: STAG2 (STAG2 cohesin complex component; plus strand). Cytogenetic location: Xq25.
Variant type: Duplication.
Identifiers: ClinVar variation 1431858 (VCV001431858.5).